The following is an entry in ClinVar:

ClinVar aggregate classification (germline): Likely pathogenic (0 of 4 stars; one submission).

Conditions:
WFS1-related disorder. Identifiers: MedGen CN379391, MONDO:0700293.

Submission:

PreventionGenetics, part of Exact Sciences
Classification: Likely pathogenic for WFS1-related condition. Last evaluated: 2024-07-16. Review status: no assertion criteria provided. Collection method: clinical testing. Allele origin: germline.
Comment: The WFS1 c.1504_1527dup variant is predicted to result in an in-frame duplication (p.Ser502_Val509dup). This variant has been reported along with a WFS1 truncating variant in at least two unrelated individuals with Wolfram syndrome (Astuti et al. 2017. PubMed ID: 28432734). This variant has not been reported in a large population database, indicating this variant is rare. This variant is interpreted as likely pathogenic.

NM_006005.3(WFS1):c.1504_1527dup (p.Val509_Tyr510insSerValProCysLeuLeuTyrVal)

Gene: WFS1 (wolframin ER transmembrane glycoprotein; plus strand). Cytogenetic location: 4p16.1.
Variant type: Duplication.
Coding change: c.1504_1527dup on transcript NM_006005.3 (MANE Select); coding-DNA positions 1504 to 1527, 24 bases duplicated (AGCGTCCCGTGCCTGCTCTATGTC).
Protein change: p.Val509_Tyr510insSerValProCysLeuLeuTyrVal.
Molecular consequence: inframe insertion.
Genome position (GRCh38, 1-based): chr4:6,301,299-6,301,322, AGCGTCCCGTGCCTGCTCTATGTC duplicated; duplicating any 24 consecutive bases within chr4:6,301,296-6,301,322 gives the same sequence; the c. name uses the placement nearest the transcript's 3' end. VCF-style (leftmost placement, unchanged base first): chr4-6301295-C-CGTCAGCGTCCCGTGCCTGCTCTAT. GRCh37 (hg19) VCF-style: chr4-6303022-C-CGTCAGCGTCCCGTGCCTGCTCTAT.
Other names: c.1504_1527dup, p.Val509_Tyr510insSerValProCysLeuLeuTyrVal (NM_001145853.1).
Identifiers: ClinVar variation 3345213 (VCV003345213.1).